The following is an entry in ClinVar:

ClinVar aggregate classification (germline): Uncertain significance. Review status: criteria provided, multiple submitters, no conflicts (2 of 4 stars). 2 submissions from 2 submitters: Uncertain significance (2). Last evaluated 2024-02-29.

Allele frequency attached by ClinVar (database versions not stated): gnomAD exomes below 0.00001.
gnomAD v4.1: 3 of 1,614,218 alleles (0.00019%); highest among the groups gnomAD compares: Non-Finnish European, 0.00017%; no homozygotes.

Submissions (2):

Ambry Genetics
Classification: Uncertain significance. Last evaluated: 2024-02-29. Review status: criteria provided, single submitter. Criteria: Ambry Variant Classification Scheme 2023. Collection method: clinical testing. Allele origin: germline.
Comment: The p.N886K variant (also known as c.2658T>G), located in coding exon 13 of the NPAT gene, results from a T to G substitution at nucleotide position 2658. The asparagine at codon 886 is replaced by lysine, an amino acid with similar properties. This amino acid position is conserved. In addition, this alteration is predicted to be tolerated by in silico analysis. Since supporting evidence is limited at this time, the clinical significance of this alteration remains unclear.

Labcorp Genetics (formerly Invitae), Labcorp
Classification: Uncertain significance. Last evaluated: 2023-10-05. Review status: criteria provided, single submitter. Criteria: Invitae Variant Classification Sherloc (09022015). Collection method: clinical testing. Allele origin: germline.
Comment: This sequence change replaces asparagine, which is neutral and polar, with lysine, which is basic and polar, at codon 886 of the NPAT protein (p.Asn886Lys). This variant is not present in population databases (gnomAD no frequency). This variant has not been reported in the literature in individuals affected with NPAT-related conditions. ClinVar contains an entry for this variant (Variation ID: 1794412). An algorithm developed to predict the effect of missense changes on protein structure and function (PolyPhen-2) suggests that this variant is likely to be disruptive. In summary, the available evidence is currently insufficient to determine the role of this variant in disease. Therefore, it has been classified as a Variant of Uncertain Significance.

NM_002519.3(NPAT):c.2658T>G (p.Asn886Lys)

Gene: NPAT (nuclear protein, coactivator of histone transcription; minus strand). Cytogenetic location: 11q22.3.
Variant type: single nucleotide variant.
Coding change: c.2658T>G on transcript NM_002519.3 (MANE Select); coding-DNA position 2658, T replaced by G.
Protein change: p.Asn886Lys; replaces asparagine 886 with lysine.
Molecular consequence: missense variant.
Genome position (GRCh38, 1-based): chr11:108,172,326, A>C on the plus strand (T>G on the coding strand, the complement: NPAT is on the minus strand). VCF-style: chr11-108172326-A-C. GRCh37 (hg19) VCF-style: chr11-108043053-A-C.
Other names: c.2658T>G, p.Asn886Lys (NM_001321307.1); short protein forms N886K.
Identifiers: ClinVar variation 1794412 (VCV001794412.5), dbSNP rs2496716437, ClinGen allele CA382512505.
Genomic context (GRCh38, chr11:108,172,326, plus strand): 5'-TAACTGAGGTGGTAGAGGTTGAGCAGTCATAGGTGCAGAATTTCCAGGCAACACCACTAC[A>C]TTAGACTGACTTACAGATGTTCCTAACGCTGTTGGATCAGTCACACAGGTAGCTATCAGA-3'
Protein context (NP_002510.2, residues 876-896): TALGTSVSQS[Asn886Lys]VVVLPGNSAP